The following is an entry in ClinVar:

NM_001098629.3(IRF5):c.-12+1563G>A

Gene: IRF5 (interferon regulatory factor 5; plus strand). Cytogenetic location: 7q32.1.
Variant type: single nucleotide variant.
Coding change: c.-12+1563G>A on transcript NM_001098629.3 (MANE Select); 1563 bases into the intron after 12 bases upstream of the start codon, G replaced by A.
Molecular consequence: intron variant.
Genome position (GRCh38, 1-based): chr7:128,939,612, G>A. VCF-style: chr7-128939612-G-A. GRCh37 (hg19) VCF-style: chr7-128579666-G-A.
Other names: c.-12+2347G>A (NM_001347928.2); c.-12+1563G>A (NM_001098630.3, NM_001242452.3); c.-12+1367G>A (NM_032643.5).
Identifiers: ClinVar variation 1262643 (VCV001262643.2), dbSNP rs3823536, ClinGen allele CA12547659.

ClinVar aggregate classification (germline): Benign (1 of 4 stars; one submission).

Allele frequency attached by ClinVar (database versions not stated): 1000 Genomes Project 30x 0.32870; 1000 Genomes Project 0.32947; TOPMed 0.39859; gnomAD 0.40117 and 0.40238.

Submission:

GeneDx
Classification: Benign. Last evaluated: 2020-02-18. Review status: criteria provided, single submitter. Criteria: GeneDx Variant Classification Process June 2021. Collection method: clinical testing. Allele origin: germline. Affected: yes.
Comment: This variant is associated with the following publications: (PMID: 31659207)